The following is an entry in ClinVar:

ClinVar aggregate classification (germline): Uncertain significance (1 of 4 stars; one submission).

Submission:

GeneDx
Classification: Uncertain significance. Last evaluated: 2024-06-03. Review status: criteria provided, single submitter. Criteria: GeneDx Variant Classification Process June 2021. Collection method: clinical testing. Allele origin: germline. Affected: yes.
Comment: Not observed at significant frequency in large population cohorts (gnomAD); In silico analysis indicates that this missense variant does not alter protein structure/function; Has not been previously published as pathogenic or benign to our knowledge

NM_001352027.3(PHF21A):c.384G>T (p.Met128Ile)

Gene: PHF21A (PHD finger protein 21A; minus strand). Cytogenetic location: 11p11.2.
Variant type: single nucleotide variant.
Coding change: c.384G>T on transcript NM_001352027.3 (MANE Select); coding-DNA position 384, G replaced by T.
Protein change: p.Met128Ile; replaces methionine 128 with isoleucine.
Molecular consequence: missense variant. On other transcripts: non-coding transcript variant (2).
Genome position (GRCh38, 1-based): chr11:45,971,344, C>A on the plus strand (G>T on the coding strand, the complement: PHF21A is on the minus strand). VCF-style: chr11-45971344-C-A. GRCh37 (hg19) VCF-style: chr11-45992895-C-A.
Other names: c.384G>T, p.Met128Ile (NM_001101802.3, NM_001352025.3, NM_001352026.3 and 5 more transcripts); c.381G>T, p.Met127Ile (NM_001352030.3); short protein forms M127I, M128I.
Identifiers: ClinVar variation 3384460 (VCV003384460.1).
Genomic context (GRCh38, chr11:45,971,344, plus strand): 5'-AGAGGCAGGCATGGTCGCAGTTGCTGCTTTCAAGACGAGAGGTAGTGTCTTTGTGGTAAT[C>A]ATAGAAGCTGTAGTTACAGTCTTCTAGGAGACAGGGAAAACAGATATTAGGACACTAAAT-3'
Protein context (NP_001338956.1, residues 118-138): ASQKTVTTAS[Met128Ile]ITTKTLPLVL